The following is an entry in ClinVar:

ClinVar aggregate classification (germline): Conflicting classifications of pathogenicity. Review status: criteria provided, conflicting classifications (1 of 4 stars). 2 submissions from 2 submitters: Uncertain significance (1); Likely benign (1). Last evaluated 2024-09-04.

Conditions:
Focal segmental glomerulosclerosis 7 (FSGS7). Identifiers: Orphanet 656, MedGen C4014925, MONDO:0014451, OMIM 616002.
Renal coloboma syndrome (PAPRS). Also called: COLOBOMA OF OPTIC NERVE WITH RENAL DISEASE; PAPILLORENAL SYNDROME WITH MILD OCULAR ABNORMALITIES; PAPILLORENAL SYNDROME; CONGENITAL ANOMALIES OF THE KIDNEY AND URINARY TRACT WITH OR WITHOUT OCULAR ABNORMALITIES; CAKUT WITH OR WITHOUT OCULAR ABNORMALITIES; OPTIC COLOBOMA, VESICOURETERAL REFLUX, AND RENAL ANOMALIES. Identifiers: Orphanet 1475, MedGen C1852759, MONDO:0007352, OMIM 120330.
Inborn genetic diseases. Identifiers: MedGen C0950123, MeSH D030342.

Allele frequency attached by ClinVar (database versions not stated): gnomAD 0.00001; TOPMed 0.00001; ExAC 0.00002.
gnomAD v4.1: 14 of 1,613,868 alleles (0.00087%); highest among the groups gnomAD compares: East Asian, 0.0067%; no homozygotes.

Submissions (2):

Ambry Genetics
Classification: Likely benign for Inborn genetic diseases. Last evaluated: 2024-09-04. Review status: criteria provided, single submitter. Criteria: Ambry Variant Classification Scheme 2023. Collection method: clinical testing. Allele origin: germline.

Labcorp Genetics (formerly Invitae), Labcorp
Classification: Uncertain significance for Renal coloboma syndrome; Focal segmental glomerulosclerosis 7. Last evaluated: 2023-05-08. Review status: criteria provided, single submitter. Criteria: Invitae Variant Classification Sherloc (09022015). Collection method: clinical testing. Allele origin: germline.
Comment: This sequence change replaces threonine, which is neutral and polar, with methionine, which is neutral and non-polar, at codon 169 of the PAX2 protein (p.Thr169Met). This variant is present in population databases (rs758091898, gnomAD 0.02%). This variant has not been reported in the literature in individuals affected with PAX2-related conditions. ClinVar contains an entry for this variant (Variation ID: 1408870). Experimental studies and prediction algorithms are not available or were not evaluated, and the functional significance of this variant is currently unknown. In summary, the available evidence is currently insufficient to determine the role of this variant in disease. Therefore, it has been classified as a Variant of Uncertain Significance.

NM_000278.5(PAX2):c.506C>T (p.Thr169Met)

Gene: PAX2 (paired box 2; plus strand). Cytogenetic location: 10q24.31.
Variant type: single nucleotide variant.
Coding change: c.506C>T on transcript NM_000278.5 (MANE Select); coding-DNA position 506, C replaced by T.
Protein change: p.Thr169Met; replaces threonine 169 with methionine.
Molecular consequence: missense variant.
Genome position (GRCh38, 1-based): chr10:100,781,255, C>T. VCF-style: chr10-100781255-C-T. GRCh37 (hg19) VCF-style: chr10-102541012-C-T.
Other names: c.506C>T (NM_003987.3); c.599C>T, p.Thr200Met (NM_001304569.2); c.506C>T, p.Thr169Met (NM_003987.5, NM_003988.5, NM_003989.5 and 1 more transcripts); short protein forms T169M, T200M.
Identifiers: ClinVar variation 1408870 (VCV001408870.7), dbSNP rs758091898, ClinGen allele CA5650751.